The following is an entry in ClinVar:

ClinVar aggregate classification (germline): Conflicting classifications of pathogenicity. Review status: criteria provided, conflicting classifications (1 of 4 stars). 4 submissions from 4 submitters: Uncertain significance (3); Likely benign (1). Last evaluated 2025-06-06.

Conditions:
Catecholaminergic polymorphic ventricular tachycardia 1. Also called: VENTRICULAR TACHYCARDIA, CATECHOLAMINERGIC POLYMORPHIC, 1, WITH OR WITHOUT ATRIAL DYSFUNCTION AND/OR DILATED CARDIOMYOPATHY; VENTRICULAR TACHYCARDIA, STRESS-INDUCED POLYMORPHIC 1; RYR2-Related Catecholaminergic Polymorphic Ventricular Tachycardia. Identifiers: Orphanet 3286, MedGen C1631597, MONDO:0011484, OMIM 604772.
Cardiovascular phenotype. Identifiers: MedGen CN230736.
Catecholaminergic polymorphic ventricular tachycardia (CVPT). Also called: Catecholamine-induced polymorphic ventricular tachycardia. Identifiers: Orphanet 3286, MedGen C5574922, MONDO:0017990.

Allele frequency attached by ClinVar (database versions not stated): TOPMed below 0.00001; ExAC 0.00001; gnomAD 0.00001; gnomAD exomes 0.00001 and 0.00002.
gnomAD v4.1: 8 of 1,600,480 alleles (0.0005%); highest among the groups gnomAD compares: East Asian, 0.018%; no homozygotes.

Submissions (4):

Labcorp Genetics (formerly Invitae), Labcorp
Classification: Likely benign for Catecholaminergic polymorphic ventricular tachycardia 1. Last evaluated: 2025-06-06. Review status: criteria provided, single submitter. Criteria: Invitae Variant Classification Sherloc (09022015). Collection method: clinical testing. Allele origin: germline.

Ambry Genetics
Classification: Uncertain significance for Cardiovascular phenotype. Last evaluated: 2024-01-08. Review status: criteria provided, single submitter. Criteria: Ambry Variant Classification Scheme 2023. Collection method: clinical testing. Allele origin: germline.
Comment: The p.K3679R variant (also known as c.11036A>G), located in coding exon 78 of the RYR2 gene, results from an A to G substitution at nucleotide position 11036. The lysine at codon 3679 is replaced by arginine, an amino acid with highly similar properties. This amino acid position is highly conserved in available vertebrate species. In addition, the in silico prediction for this alteration is inconclusive. Since supporting evidence is limited at this time, the clinical significance of this alteration remains unclear.

All of Us Research Program, National Institutes of Health
Classification: Uncertain significance for Catecholaminergic polymorphic ventricular tachycardia. Last evaluated: 2023-05-16. Review status: criteria provided, single submitter. Criteria: ACMG Guidelines, 2015. Collection method: clinical testing. Allele origin: germline. Inheritance: Autosomal dominant inheritance. Observed: 1 variant allele, 1 heterozygote.
Comment: This missense variant replaces lysine with arginine at codon 3679 of the RYR2 protein. Computational prediction suggests that this variant may not impact protein structure and function (internally defined REVEL score threshold <= 0.5, PMID: 27666373). To our knowledge, functional studies have not been reported for this variant. This variant has not been reported in individuals affected with RYR2-related disorders in the literature. This variant has been identified in 4/247470 chromosomes in the general population by the Genome Aggregation Database (gnomAD). The available evidence is insufficient to determine the role of this variant in disease conclusively. Therefore, this variant is classified as a Variant of Uncertain Significance.

This study involves interpretation of variants in research participants for the purpose of population health screening. Participant phenotype was not available at the time of variant classification. Additional details can be found in publication PMID: 35346344, PMCID: PMC8962531

Women's Health and Genetics/Laboratory Corporation of America, LabCorp
Classification: Uncertain significance. Last evaluated: 2019-02-11. Review status: criteria provided, single submitter. Criteria: LabCorp Variant Classification Summary - May 2015. Collection method: clinical testing. Allele origin: germline.
Comment: Variant summary: RYR2 c.11036A>G (p.Lys3679Arg) results in a conservative amino acid change in the encoded protein sequence. Three of five in-silico tools predict a benign effect of the variant on protein function. The variant allele was found at a frequency of 8.3e-06 in 120192 control chromosomes. The available data on variant occurrences in the general population are insufficient to allow any conclusion about variant significance. To our knowledge, no occurrence of c.11036A>G in individuals affected with Cardiomyopathy and no experimental evidence demonstrating its impact on protein function have been reported. No clinical diagnostic laboratories have submitted clinical-significance assessments for this variant to ClinVar after 2014. Based on the evidence outlined above, the variant was classified as uncertain significance.

NM_001035.3(RYR2):c.11036A>G (p.Lys3679Arg)

Gene: RYR2 (ryanodine receptor 2; plus strand). Cytogenetic location: 1q43.
Variant type: single nucleotide variant.
Coding change: c.11036A>G on transcript NM_001035.3 (MANE Select); coding-DNA position 11036, A replaced by G.
Protein change: p.Lys3679Arg; replaces lysine 3679 with arginine.
Molecular consequence: missense variant.
Genome position (GRCh38, 1-based): chr1:237,732,146, A>G. VCF-style: chr1-237732146-A-G. GRCh37 (hg19) VCF-style: chr1-237895446-A-G.
Other names: short protein forms K3679R.
Identifiers: ClinVar variation 853357 (VCV000853357.10), dbSNP rs758125356, ClinGen allele CA084659.
Genomic context (GRCh38, chr1:237,732,146, plus strand): 5'-AGAGAGTTGATCCTCTACATCAGCTGATCCTTCTGTTTAGTCGGACAGCTTTAACAGAGA[A>G]ATGGTATGGTTGGGAGGGTTCCTATGAGACATAGGAGGAGCAAATAAAGACACCCGTGTC-3'
Protein context (NP_001026.2, residues 3669-3689): LLFSRTALTE[Lys3679Arg]CKLEEDFLYM